The following is an entry in ClinVar:

NM_001384474.1(LOXHD1):c.4756C>T (p.Arg1586Cys)

Gene: LOXHD1 (lipoxygenase homology PLAT domains 1; minus strand). Cytogenetic location: 18q21.1.
Variant type: single nucleotide variant.
Coding change: c.4756C>T on transcript NM_001384474.1 (MANE Select); coding-DNA position 4756, C replaced by T.
Protein change: p.Arg1586Cys; replaces arginine 1586 with cysteine.
Molecular consequence: missense variant.
Genome position (GRCh38, 1-based): chr18:46,524,586, G>A on the plus strand (C>T on the coding strand, the complement: LOXHD1 is on the minus strand). VCF-style: chr18-46524586-G-A. GRCh37 (hg19) VCF-style: chr18-44104549-G-A.
Other names: c.1423C>T, p.Arg475Cys (NM_001145472.3); c.1135C>T, p.Arg379Cys (NM_001308013.2); c.4756C>T, p.Arg1586Cys (NM_144612.7); short protein forms R1586C, R379C, R475C.
Identifiers: ClinVar variation 505399 (VCV000505399.9), dbSNP rs773223976, ClinGen allele CA8952295.

ClinVar aggregate classification (germline): Uncertain significance. Review status: criteria provided, multiple submitters, no conflicts (2 of 4 stars). 5 submissions from 5 submitters: Uncertain significance (4). 1 of the submissions does not count toward it. Last evaluated 2024-09-27.

Conditions:
Inborn genetic diseases. Identifiers: MedGen C0950123, MeSH D030342.
Autosomal recessive nonsyndromic hearing loss 77. Identifiers: Orphanet 90636, MedGen C2746083, MONDO:0013119, OMIM 613079.

Allele frequency attached by ClinVar (database versions not stated): ExAC below 0.00001; gnomAD 0.00010; TOPMed 0.00012; 1000 Genomes Project 30x 0.00016.
gnomAD v4.1: 109 of 1,551,676 alleles (0.007%); highest among the groups gnomAD compares: Admixed American, 0.025%; no homozygotes.

Submissions (5):

Ambry Genetics
Classification: Uncertain significance for Inborn genetic diseases. Last evaluated: 2024-09-27. Review status: criteria provided, single submitter. Criteria: Ambry Variant Classification Scheme 2023. Collection method: clinical testing. Allele origin: germline.

Labcorp Genetics (formerly Invitae), Labcorp
Classification: Uncertain significance. Last evaluated: 2022-06-24. Review status: criteria provided, single submitter. Criteria: Invitae Variant Classification Sherloc (09022015). Collection method: clinical testing. Allele origin: germline.
Comment: This sequence change replaces arginine, which is basic and polar, with cysteine, which is neutral and slightly polar, at codon 1586 of the LOXHD1 protein (p.Arg1586Cys). This variant is present in population databases (rs773223976, gnomAD 0.04%). This variant has not been reported in the literature in individuals affected with LOXHD1-related conditions. ClinVar contains an entry for this variant (Variation ID: 505399). Algorithms developed to predict the effect of missense changes on protein structure and function are either unavailable or do not agree on the potential impact of this missense change (SIFT: "Deleterious"; PolyPhen-2: "Probably Damaging"; Align-GVGD: "Class C0"). In summary, the available evidence is currently insufficient to determine the role of this variant in disease. Therefore, it has been classified as a Variant of Uncertain Significance.

Fulgent Genetics
Classification: Uncertain significance for Autosomal recessive nonsyndromic hearing loss 77. Last evaluated: 2021-07-20. Review status: criteria provided, single submitter. Criteria: ACMG Guidelines, 2015. Collection method: clinical testing. Allele origin: unknown.

Laboratory for Molecular Medicine, Mass General Brigham Personalized Medicine
Classification: Uncertain significance. Last evaluated: 2016-11-23. Review status: criteria provided, single submitter. Criteria: LMM Criteria. Collection method: clinical testing. Allele origin: germline. Observed: 1 variant allele.
Comment: The p.Arg1586Cys variant in LOXHD1 has not been previously reported in individua ls with hearing loss or in large population studies. Computational prediction to ols and conservation analysis suggest that the p.Arg1586Cys variant may impact t he protein, though this information is not predictive enough to determine pathog enicity. In summary, the clinical significance of the p.Arg1586Cys variant is un certain.

Natera, Inc.
Classification: Uncertain significance for Autosomal recessive deafness type 77. Last evaluated: 2019-10-28. Review status: no assertion criteria provided. Collection method: clinical testing. Allele origin: germline. Not counted in ClinVar's aggregate classification.